The following is an entry in ClinVar:

ClinVar aggregate classification (germline): Uncertain significance (1 of 4 stars; one submission).

Conditions:
Desmin-related myofibrillar myopathy (MFM1). Also called: Desminopathy; Desmin related myopathy (former name); Desmin storage myopathy (former name); MYOFIBRILLAR MYOPATHY WITH ARRHYTHMOGENIC RIGHT VENTRICULAR CARDIOMYOPATHY; DESMIN-RELATED MYOPATHY WITH ARRHYTHMOGENIC RIGHT VENTRICULAR CARDIOMYOPATHY; Myofibrillar myopathy 1. Identifiers: Orphanet 363543, Orphanet 98909, MedGen C1832370, MONDO:0011076, OMIM 601419.

Submission:

Labcorp Genetics (formerly Invitae), Labcorp
Classification: Uncertain significance for Desmin-related myofibrillar myopathy. Last evaluated: 2024-06-29. Review status: criteria provided, single submitter. Criteria: Invitae Variant Classification Sherloc (09022015). Collection method: clinical testing. Allele origin: germline.
Comment: This sequence change replaces valine, which is neutral and non-polar, with methionine, which is neutral and non-polar, at codon 166 of the DES protein (p.Val166Met). This variant is not present in population databases (gnomAD no frequency). This variant has not been reported in the literature in individuals affected with DES-related conditions. Advanced modeling of protein sequence and biophysical properties (such as structural, functional, and spatial information, amino acid conservation, physicochemical variation, residue mobility, and thermodynamic stability) has been performed at Invitae for this missense variant, however the output from this modeling did not meet the statistical confidence thresholds required to predict the impact of this variant on DES protein function. In summary, the available evidence is currently insufficient to determine the role of this variant in disease. Therefore, it has been classified as a Variant of Uncertain Significance.

NM_001927.4(DES):c.496G>A (p.Val166Met)

Gene: DES (desmin; plus strand). Cytogenetic location: 2q35.
Variant type: single nucleotide variant.
Coding change: c.496G>A on transcript NM_001927.4 (MANE Select); coding-DNA position 496, G replaced by A.
Protein change: p.Val166Met; replaces valine 166 with methionine.
Molecular consequence: missense variant. On other transcripts: splice donor variant (1).
Genome position (GRCh38, 1-based): chr2:219,418,958, G>A. VCF-style: chr2-219418958-G-A. GRCh37 (hg19) VCF-style: chr2-220283680-G-A.
Other names: c.496G>A, p.Val166Met (NM_001382708.1, NM_001382709.1, NM_001382710.1 and 2 more transcripts); c.495+1G>A (NM_001382713.1); short protein forms V166M.
Identifiers: ClinVar variation 3757042 (VCV003757042.2).